The following is an entry in ClinVar:

ClinVar aggregate classification (germline): Uncertain significance (1 of 4 stars; one submission).

Allele frequency attached by ClinVar (database versions not stated): gnomAD exomes below 0.00001; TOPMed below 0.00001.
gnomAD v4.1: 2 of 1,612,122 alleles (0.00012%); highest among the groups gnomAD compares: Non-Finnish European, 0.00017%; no homozygotes.

Submission:

CeGaT Center for Human Genetics Tuebingen
Classification: Uncertain significance. Last evaluated: 2023-04-01. Review status: criteria provided, single submitter. Criteria: CeGaT Center For Human Genetics Tuebingen Variant Classification Criteria Version 2. Collection method: clinical testing. Allele origin: germline. Affected: yes. Observed: 1 variant allele.
Comment: SETD2: PM2

NM_014159.7(SETD2):c.6086G>A (p.Ser2029Asn)

Gene: SETD2 (SET domain containing 2, histone lysine methyltransferase; minus strand). Cytogenetic location: 3p21.31.
Variant type: single nucleotide variant.
Coding change: c.6086G>A on transcript NM_014159.7 (MANE Select); coding-DNA position 6086, G replaced by A.
Protein change: p.Ser2029Asn; replaces serine 2029 with asparagine.
Molecular consequence: missense variant. On other transcripts: non-coding transcript variant (1).
Genome position (GRCh38, 1-based): chr3:47,067,093, C>T on the plus strand (G>A on the coding strand, the complement: SETD2 is on the minus strand). VCF-style: chr3-47067093-C-T. GRCh37 (hg19) VCF-style: chr3-47108583-C-T.
Other names: c.5954G>A, p.Ser1985Asn (NM_001349370.3); short protein forms S1985N, S2029N.
Identifiers: ClinVar variation 2653742 (VCV002653742.24), dbSNP rs1414315565, ClinGen allele CA352527342.
Genomic context (GRCh38, chr3:47,067,093, plus strand): 5'-GTAAAGCCATCAACACAGAGTATCTCTGAATACCTACTTGTGTTTTCCTTTTCAGTTTGA[C>T]TTTTCTTTGGAATTCGATATACCTCCTGCAAAAAATAAACCAGAGGGAGGGTTATTAGTG-3'
Protein context (NP_054878.5, residues 2019-2039): LKEVYRIPKK[Ser2029Asn]QTEKENTTTE